The following is an entry in ClinVar:

ClinVar aggregate classification (germline): Uncertain significance. Review status: criteria provided, multiple submitters, no conflicts (2 of 4 stars). 3 submissions from 3 submitters: Uncertain significance (2). 1 of the submissions does not count toward it. Last evaluated 2025-04-14.

Allele frequency attached by ClinVar (database versions not stated): ExAC 0.00004; TOPMed 0.00006; gnomAD 0.00008 and 0.00009.
gnomAD v4.1: 127 of 1,604,480 alleles (0.0079%); highest among the groups gnomAD compares: Middle Eastern, 0.017%; no homozygotes.

Submissions (3):

Ambry Genetics
Classification: Uncertain significance. Last evaluated: 2025-04-14. Review status: criteria provided, single submitter. Criteria: Ambry Variant Classification Scheme 2023. Collection method: clinical testing. Allele origin: germline.

Breakthrough Genomics
Classification: Uncertain significance. Review status: criteria provided, single submitter. Criteria: ACMG Guidelines, 2015. Collection method: not provided. Allele origin: germline. Inheritance: Unknown mechanism. Affected: yes.

Martin Pollak Laboratory,  Beth Israel Deaconess Medical Center
Classification: Uncertain significance. Review status: no assertion criteria provided. Collection method: not provided. Allele origin: unknown. Not counted in ClinVar's aggregate classification.
Comment: Higher UCa2+ group
ClinVar note: Converted during submission from unknown to Uncertain significance.

NM_001288772.2(PIK3C2G):c.2714T>G (p.Leu905Arg)

Gene: PIK3C2G (phosphatidylinositol-4-phosphate 3-kinase catalytic subunit type 2 gamma; plus strand). Cytogenetic location: 12p12.3.
Variant type: single nucleotide variant.
Coding change: c.2714T>G on transcript NM_001288772.2 (MANE Select); coding-DNA position 2714, T replaced by G.
Protein change: p.Leu905Arg; replaces leucine 905 with arginine.
Molecular consequence: missense variant.
Genome position (GRCh38, 1-based): chr12:18,491,479, T>G. VCF-style: chr12-18491479-T-G. GRCh37 (hg19) VCF-style: chr12-18644413-T-G.
Other names: c.2048T>G, p.Leu683Arg (NM_001288774.2); c.2591T>G, p.Leu864Arg (NM_004570.6); short protein forms L864R, L905R, L683R.
Identifiers: ClinVar variation 64529 (VCV000064529.6), dbSNP rs387907449, ClinGen allele CA216343.
Genomic context (GRCh38, chr12:18,491,479, plus strand): 5'-TCTTAAATCCTTTTTCTAATGATTTTTCACAGGAGGTACTGAAGAAAGAAATTGGCAGAC[T>G]AGAAGAGTTCTTTCAAGATGTAAATACTTGTCATCTTCCTCTGAACCCTGCCCTATGTAT-3'
Protein context (NP_001275701.1, residues 895-915): QEVLKKEIGR[Leu905Arg]EEFFQDVNTC